The following is an entry in ClinVar:

ClinVar aggregate classification (germline): Uncertain significance. Review status: criteria provided, multiple submitters, no conflicts (2 of 4 stars). 3 submissions from 3 submitters: Uncertain significance (3). Last evaluated 2025-09-19.

Conditions:
Inborn genetic diseases. Identifiers: MedGen C0950123, MeSH D030342.
Dyskeratosis congenita. Identifiers: Orphanet 1775, MedGen C0265965, MONDO:0015780.

Allele frequency attached by ClinVar (database versions not stated): gnomAD exomes below 0.00001 and 0.00001; ExAC 0.00005.

Submissions (3):

GeneDx
Classification: Uncertain significance. Last evaluated: 2025-09-19. Review status: criteria provided, single submitter. Criteria: GeneDx Variant Classification Process June 2021. Collection method: clinical testing. Allele origin: germline.
Comment: Not observed at significant frequency in large population cohorts (gnomAD); In silico analysis supports that this missense variant has a deleterious effect on protein structure/function; Has not been previously published as pathogenic or benign to our knowledge

Labcorp Genetics (formerly Invitae), Labcorp
Classification: Uncertain significance for Dyskeratosis congenita. Last evaluated: 2024-10-24. Review status: criteria provided, single submitter. Criteria: Invitae Variant Classification Sherloc (09022015). Collection method: clinical testing. Allele origin: germline.
Comment: This sequence change replaces asparagine, which is neutral and polar, with histidine, which is basic and polar, at codon 587 of the CTC1 protein (p.Asn587His). This variant is not present in population databases (gnomAD no frequency). This variant has not been reported in the literature in individuals affected with CTC1-related conditions. ClinVar contains an entry for this variant (Variation ID: 1047762). Invitae Evidence Modeling of protein sequence and biophysical properties (such as structural, functional, and spatial information, amino acid conservation, physicochemical variation, residue mobility, and thermodynamic stability) indicates that this missense variant is expected to disrupt CTC1 protein function with a positive predictive value of 80%. In summary, the available evidence is currently insufficient to determine the role of this variant in disease. Therefore, it has been classified as a Variant of Uncertain Significance.

Ambry Genetics
Classification: Uncertain significance for Inborn genetic diseases. Last evaluated: 2023-06-22. Review status: criteria provided, single submitter. Criteria: Ambry Variant Classification Scheme 2023. Collection method: clinical testing. Allele origin: germline.

NM_025099.6(CTC1):c.1759A>C (p.Asn587His)

Gene: CTC1 (CST telomere replication complex component 1; minus strand). Cytogenetic location: 17p13.1.
Variant type: single nucleotide variant.
Coding change: c.1759A>C on transcript NM_025099.6 (MANE Select); coding-DNA position 1759, A replaced by C.
Protein change: p.Asn587His; replaces asparagine 587 with histidine.
Molecular consequence: missense variant. On other transcripts: non-coding transcript variant (1).
Genome position (GRCh38, 1-based): chr17:8,234,514, T>G on the plus strand (A>C on the coding strand, the complement: CTC1 is on the minus strand). VCF-style: chr17-8234514-T-G. GRCh37 (hg19) VCF-style: chr17-8137832-T-G.
Other names: c.1759A>C (NM_025099.5); short protein forms N587H.
Identifiers: ClinVar variation 1047762 (VCV001047762.12), dbSNP rs774920348, ClinGen allele CA8372264.
Genomic context (GRCh38, chr17:8,234,514, plus strand): 5'-CCTGGGCTGGGCAGAAGGCAGAGGGCAGCAGACAGAGCCAGGACCAAGCCAGGCGGCGAT[T>G]GAGTTGGCAGCTGGGCAGGTAGGAGGCCTCCGGGAGGGGCAGAAGGGCCTTAGGGTCAAA-3'
Protein context (NP_079375.3, residues 577-597): EASYLPSCQL[Asn587His]RRLAWSWLCL